The following is an entry in ClinVar:

NM_000903.3(NQO1):c.403A>C (p.Lys135Gln)

Gene: NQO1 (NAD(P)H quinone dehydrogenase 1; minus strand). Cytogenetic location: 16q22.1.
Variant type: single nucleotide variant.
Coding change: c.403A>C on transcript NM_000903.3 (MANE Select); coding-DNA position 403, A replaced by C.
Protein change: p.Lys135Gln; replaces lysine 135 with glutamine.
Molecular consequence: missense variant. On other transcripts: intron variant (2).
Genome position (GRCh38, 1-based): chr16:69,714,978, T>G on the plus strand (A>C on the coding strand, the complement: NQO1 is on the minus strand). VCF-style: chr16-69714978-T-G. GRCh37 (hg19) VCF-style: chr16-69748881-T-G.
Other names: c.403A>C, p.Lys135Gln (NM_001025433.2); c.303+3145A>C (NM_001286137.2); c.304-1849A>C (NM_001025434.2); short protein forms K135Q.
Identifiers: ClinVar variation 1737261 (VCV001737261.2), dbSNP rs1597598181, ClinGen allele CA396488813.

ClinVar aggregate classification (germline): Uncertain significance (1 of 4 stars; one submission).

Allele frequency attached by ClinVar (database versions not stated): gnomAD exomes 0.00002.
gnomAD v4.1: 12 of 1,613,224 alleles (0.00074%); highest among the groups gnomAD compares: East Asian, 0.027%; no homozygotes.

Submission:

Ambry Genetics
Classification: Uncertain significance. Last evaluated: 2024-03-23. Review status: criteria provided, single submitter. Criteria: Ambry Variant Classification Scheme 2023. Collection method: clinical testing. Allele origin: germline.
Comment: The p.K135Q variant (also known as c.403A>C), located in coding exon 4 of the NQO1 gene, results from an A to C substitution at nucleotide position 403. The lysine at codon 135 is replaced by glutamine, an amino acid with similar properties. This amino acid position is conserved. In addition, this alteration is predicted to be tolerated by in silico analysis. Since supporting evidence is limited at this time, the clinical significance of this alteration remains unclear.